The following is an entry in ClinVar:

NM_000342.4(SLC4A1):c.-55G>A

Gene: SLC4A1 (solute carrier family 4 member 1 (Diego blood group); minus strand). Cytogenetic location: 17q21.31.
Variant type: single nucleotide variant.
Coding change: c.-55G>A on transcript NM_000342.4 (MANE Select); 55 bases upstream of the start codon, G replaced by A.
Molecular consequence: 5 prime UTR variant.
Genome position (GRCh38, 1-based): chr17:44,262,921, C>T on the plus strand (G>A on the coding strand, the complement: SLC4A1 is on the minus strand). VCF-style: chr17-44262921-C-T. GRCh37 (hg19) VCF-style: chr17-42340289-C-T.
Identifiers: ClinVar variation 4980810 (VCV004980810.1).

ClinVar aggregate classification (germline): Likely benign (1 of 4 stars; one submission).

Conditions:
SLC4A1-related disorder. Also called: SLC4A1-related condition; SLC4A1-related disorders.

gnomAD v4.1: 364 of 1,613,242 alleles (0.023%); highest among the groups gnomAD compares: East Asian, 0.21%; no homozygotes.

Submission:

PreventionGenetics, part of Exact Sciences
Classification: Likely benign for SLC4A1-related condition. Last evaluated: 2024-12-20. Review status: criteria provided, single submitter. Criteria: ACMG Guidelines, 2015. Collection method: clinical testing. Allele origin: germline.
Comment: This variant is classified as likely benign based on ACMG/AMP sequence variant interpretation guidelines (Richards et al. 2015 PMID: 25741868, with internal and published modifications).